The following is an entry in ClinVar:

NM_001377530.1(DMBT1):c.6364C>T (p.Pro2122Ser)

Gene: DMBT1 (deleted in malignant brain tumors 1; plus strand). Cytogenetic location: 10q26.13.
Variant type: single nucleotide variant.
Coding change: c.6364C>T on transcript NM_001377530.1 (MANE Select); coding-DNA position 6364, C replaced by T.
Protein change: p.Pro2122Ser; replaces proline 2122 with serine.
Molecular consequence: missense variant.
Genome position (GRCh38, 1-based): chr10:122,631,872, C>T. VCF-style: chr10-122631872-C-T. GRCh37 (hg19) VCF-style: chr10-124391388-C-T.
Other names: c.5977C>T, p.Pro1993Ser (NM_001320644.2, NM_007329.3); c.4093C>T, p.Pro1365Ser (NM_004406.3); c.5947C>T, p.Pro1983Ser (NM_017579.3); short protein forms P1983S, P1993S, P1365S, P2122S.
Identifiers: ClinVar variation 726422 (VCV000726422.24), dbSNP rs189862352, ClinGen allele CA5728218.
Genomic context (GRCh38, chr10:122,631,872, plus strand): 5'-CCACATGTCTGTGACCTATGCTTTTTTTCTATTCCTTTTTCAGGAAACCATCTATCGACA[C>T]CTGGTAAGTCCCTCCGATTTCCATTCCACTTCCCTGGTCTCCAGGTCTCTCCATTACTGC-3'
Protein context (NP_001364459.1, residues 2112-2132): VICSGNHLST[Pro2122Ser]APFLNITRPN

ClinVar aggregate classification (germline): Benign/Likely benign. Review status: criteria provided, multiple submitters, no conflicts (2 of 4 stars). 3 submissions from 3 submitters: Benign (2); Likely benign (1). Last evaluated 2025-02-01.

Allele frequency attached by ClinVar (database versions not stated): gnomAD 0.00059 and 0.00064; gnomAD exomes 0.00072 and 0.00118; TOPMed 0.00081; ESP Exome Variant Server 0.00082; 1000 Genomes Project 0.00100; 1000 Genomes Project 30x 0.00109; ExAC 0.00120.

Submissions (3):

CeGaT Center for Human Genetics Tuebingen
Classification: Likely benign. Last evaluated: 2025-02-01. Review status: criteria provided, single submitter. Criteria: CeGaT Center For Human Genetics Tuebingen Variant Classification Criteria Version 2. Collection method: clinical testing. Allele origin: germline. Affected: yes. Observed: 4 variant alleles.
Comment: DMBT1: BP4

Labcorp Genetics (formerly Invitae), Labcorp
Classification: Benign. Last evaluated: 2019-12-31. Review status: criteria provided, single submitter. Criteria: Invitae Variant Classification Sherloc (09022015). Collection method: clinical testing. Allele origin: germline.

Breakthrough Genomics
Classification: Benign. Review status: criteria provided, single submitter. Criteria: ACMG Guidelines, 2015. Collection method: not provided. Allele origin: germline. Inheritance: Unknown mechanism. Affected: yes.